The following is an entry in ClinVar:

ClinVar aggregate classification (germline): Uncertain significance (1 of 4 stars; one submission).

Allele frequency attached by ClinVar (database versions not stated): gnomAD exomes below 0.00001; ExAC 0.00001.

Submission:

Labcorp Genetics (formerly Invitae), Labcorp
Classification: Uncertain significance. Last evaluated: 2022-05-27. Review status: criteria provided, single submitter. Criteria: Invitae Variant Classification Sherloc (09022015). Collection method: clinical testing. Allele origin: germline.
Comment: This sequence change replaces asparagine, which is neutral and polar, with serine, which is neutral and polar, at codon 1156 of the CUL7 protein (p.Asn1156Ser). This variant is present in population databases (rs767078051, gnomAD 0.0009%). This variant has not been reported in the literature in individuals affected with CUL7-related conditions. Algorithms developed to predict the effect of missense changes on protein structure and function output the following: SIFT: "Tolerated"; PolyPhen-2: "Benign"; Align-GVGD: "Class C0". The serine amino acid residue is found in multiple mammalian species, which suggests that this missense change does not adversely affect protein function. Algorithms developed to predict the effect of sequence changes on RNA splicing suggest that this variant may create or strengthen a splice site. In summary, the available evidence is currently insufficient to determine the role of this variant in disease. Therefore, it has been classified as a Variant of Uncertain Significance.

NM_014780.5(CUL7):c.3467A>G (p.Asn1156Ser)

Gene: CUL7 (cullin 7; minus strand). Cytogenetic location: 6p21.1.
Variant type: single nucleotide variant.
Coding change: c.3467A>G on transcript NM_014780.5 (MANE Select); coding-DNA position 3467, A replaced by G.
Protein change: p.Asn1156Ser; replaces asparagine 1156 with serine.
Molecular consequence: missense variant.
Genome position (GRCh38, 1-based): chr6:43,042,980, T>C on the plus strand (A>G on the coding strand, the complement: CUL7 is on the minus strand). VCF-style: chr6-43042980-T-C. GRCh37 (hg19) VCF-style: chr6-43010718-T-C.
Other names: c.3563A>G, p.Asn1188Ser (NM_001168370.2, NM_001374872.1); c.3467A>G, p.Asn1156Ser (NM_001374873.1); c.3464A>G, p.Asn1155Ser (NM_001374874.1); short protein forms N1188S, N1155S, N1156S.
Identifiers: ClinVar variation 2046970 (VCV002046970.4), dbSNP rs767078051, ClinGen allele CA3813462.
Genomic context (GRCh38, chr6:43,042,980, plus strand): 5'-AAGTGCTCACAGTAGCGTGGCACAAAGTCATCATCCCGCCAGGATGAGGTCAGAAAATTG[T>C]TCACCTGGAAGGAAGGGGCAGGAGCATGAAGACACAACCCAACATGCCACCATTATGGTG-3'
Protein context (NP_055595.2, residues 1146-1166): CWRAVVEKQV[Asn1156Ser]NFLTSSWRDD